The following is an entry in ClinVar:

ClinVar aggregate classification (germline): Uncertain significance (1 of 4 stars; one submission).

Conditions:
ALMS1-related disorder. Also called: ALMS1-related condition.

Submission:

PreventionGenetics, part of Exact Sciences
Classification: Uncertain significance for ALMS1-related condition. Last evaluated: 2026-04-15. Review status: criteria provided, single submitter. Criteria: ACMG Guidelines, 2015. Collection method: clinical testing. Allele origin: germline.
Comment: The ALMS1 c.7274G>C variant is predicted to result in the amino acid substitution p.Cys2425Ser. To our knowledge, this variant has not been reported in the literature. This variant is reported in 0.025% of alleles in individuals of African descent in gnomAD. At this time, the clinical significance of this variant is uncertain due to the absence of conclusive functional and genetic evidence.

NM_001378454.1(ALMS1):c.7271G>C (p.Gly2424Ala)

Gene: ALMS1 (ALMS1 centrosome and basal body associated protein; plus strand). Cytogenetic location: 2p13.1.
Variant type: single nucleotide variant.
Coding change: c.7271G>C on transcript NM_001378454.1 (MANE Select); coding-DNA position 7271, G replaced by C.
Protein change: p.Gly2424Ala; replaces glycine 2424 with alanine.
Molecular consequence: missense variant.
Genome position (GRCh38, 1-based): chr2:73,453,798, G>C. VCF-style: chr2-73453798-G-C. GRCh37 (hg19) VCF-style: chr2-73680925-G-C.
Other names: c.7274G>C, p.Gly2425Ala (NM_015120.4); short protein forms G2424A, G2425A.
Identifiers: ClinVar variation 4977720 (VCV004977720.1).
Genomic context (GRCh38, chr2:73,453,798, plus strand): 5'-TTATCCCTATGATGACTGTCATAAAAAGTGATTCAAGTAGTGATGCCAGTGATGGAAATG[G>C]TTCCTGCTCGTGGGACAGTAATTTACCAGAGTCTTTGGAATCAGTTTCTGATGTTCTTCT-3'
Protein context (NP_001365383.1, residues 2414-2434): DSSSDASDGN[Gly2424Ala]SCSWDSNLPE